The following is an entry in ClinVar:

Conditions:
Breast-ovarian cancer, familial, susceptibility to, 1 (BROVCA1). Also called: BRCA1 Hereditary Breast and Ovarian Cancer; OVARIAN CANCER, SUSCEPTIBILITY TO. Identifiers: Orphanet 145, MedGen C2676676, MONDO:0011450, OMIM 604370. Disease mechanism: loss of function.

Submission:

Brotman Baty Institute, University of Washington
No classification provided (evidence only). Condition: Breast-ovarian cancer, familial 1. Review status: no classification provided. Collection method: in vitro. Allele origin: not applicable. Functional consequence: functionally_abnormal.
ClinVar note: "not provided" was previously submitted as the classification for the variant. However, the classification appeared to be based only on an observation of functional data so it was converted to no classification on 2025-07-30.

NM_007294.4(BRCA1):c.275C>A (p.Ala92Asp)

Gene: BRCA1 (BRCA1 DNA repair associated; minus strand). Cytogenetic location: 17q21.31.
Variant type: single nucleotide variant.
Coding change: c.275C>A on transcript NM_007294.4 (MANE Select); coding-DNA position 275, C replaced by A.
Protein change: p.Ala92Asp; replaces alanine 92 with aspartic acid.
Molecular consequence: missense variant. On other transcripts: non-coding transcript variant (1).
Genome position (GRCh38, 1-based): chr17:43,104,894, G>T on the plus strand (C>A on the coding strand, the complement: BRCA1 is on the minus strand). VCF-style: chr17-43104894-G-T. GRCh37 (hg19) VCF-style: chr17-41256911-G-T.
Other names: c.134C>A, p.Ala45Asp (NM_001407698.1, NM_001407724.1, NM_001407725.1 and 99 more transcripts); c.65C>A, p.Ala22Asp (NM_001407853.1, NM_001407879.1, NM_001407881.1 and 58 more transcripts); c.275C>A, p.Ala92Asp (NM_001407854.1, NM_001407858.1, NM_001407859.1 and 168 more transcripts); c.197C>A, p.Ala66Asp (NM_001407862.1, NM_001407874.1, NM_001407875.1 and 21 more transcripts); c.-107C>A (NM_001407959.1, NM_001407960.1, NM_001407962.1 and 4 more transcripts); c.143C>A, p.Ala48Asp (NM_001408451.1); short protein forms A45D, A92D, A48D, A22D, A66D.
Identifiers: ClinVar variation 868817 (VCV000868817.3), dbSNP rs1597898146, ClinGen allele CA10601606.